The following is an entry in ClinVar:

NM_000287.4(PEX6):c.2581C>G (p.Pro861Ala)

Gene: PEX6 (peroxisomal biogenesis factor 6; minus strand). Cytogenetic location: 6p21.1.
Variant type: single nucleotide variant.
Coding change: c.2581C>G on transcript NM_000287.4 (MANE Select); coding-DNA position 2581, C replaced by G.
Protein change: p.Pro861Ala; replaces proline 861 with alanine.
Molecular consequence: missense variant. On other transcripts: non-coding transcript variant (1).
Genome position (GRCh38, 1-based): chr6:42,965,259, G>C on the plus strand (C>G on the coding strand, the complement: PEX6 is on the minus strand). VCF-style: chr6-42965259-G-C. GRCh37 (hg19) VCF-style: chr6-42932997-G-C.
Other names: c.2317C>G, p.Pro773Ala (NM_001316313.2); short protein forms P773A, P861A.
Identifiers: ClinVar variation 3009221 (VCV003009221.1), dbSNP rs774259819, ClinGen allele CA3810988.
Genomic context (GRCh38, chr6:42,965,259, plus strand): 5'-GGGGTGAAGGAGGCACAAAATGAGGGTGGAGATGAGCAGTACAAGGGGCCCACCTGCCAG[G>C]CCGCAGAAGGGCAGGGTCCAGGAGATCTGGTCTGTTGGTGGCTCCAATCACAAACACATC-3'
Protein context (NP_000278.3, residues 851-871): PDLLDPALLR[Pro861Ala]GRFDKLVFVG

ClinVar aggregate classification (germline): Uncertain significance (1 of 4 stars; one submission).

Conditions:
Peroxisome biogenesis disorder. Identifiers: Orphanet 79189, MedGen C1832200, MONDO:0019234. Disease mechanism: loss of function.

Allele frequency attached by ClinVar (database versions not stated): gnomAD 0.00001; gnomAD exomes 0.00001; ExAC 0.00002.

Submission:

Labcorp Genetics (formerly Invitae), Labcorp
Classification: Uncertain significance for Peroxisome biogenesis disorder. Last evaluated: 2023-08-30. Review status: criteria provided, single submitter. Criteria: Invitae Variant Classification Sherloc (09022015). Collection method: clinical testing. Allele origin: germline.
Comment: This sequence change replaces proline, which is neutral and non-polar, with alanine, which is neutral and non-polar, at codon 861 of the PEX6 protein (p.Pro861Ala). This variant is present in population databases (rs774259819, gnomAD 0.01%). This variant has not been reported in the literature in individuals affected with PEX6-related conditions. Advanced modeling of protein sequence and biophysical properties (such as structural, functional, and spatial information, amino acid conservation, physicochemical variation, residue mobility, and thermodynamic stability) has been performed at Invitae for this missense variant, however the output from this modeling did not meet the statistical confidence thresholds required to predict the impact of this variant on PEX6 protein function. In summary, the available evidence is currently insufficient to determine the role of this variant in disease. Therefore, it has been classified as a Variant of Uncertain Significance.